The following is an entry in ClinVar:

ClinVar aggregate classification (germline): Likely pathogenic (1 of 4 stars; one submission).

Submission:

GeneDx
Classification: Likely pathogenic. Last evaluated: 2023-06-13. Review status: criteria provided, single submitter. Criteria: GeneDx Variant Classification Process June 2021. Collection method: clinical testing. Allele origin: germline. Affected: yes.
Comment: Reported previously in an unaffected carrier; however, no further information was provided (Hanany et al., 2020); Frameshift variant predicted to result in protein truncation or nonsense mediated decay in a gene for which loss of function is a known mechanism of disease; Not observed at significant frequency in large population cohorts (gnomAD); This variant is associated with the following publications: (PMID: 31964843)

NM_001134831.2(AHI1):c.2956_2957del (p.Val986fs)

Gene: AHI1 (Abelson helper integration site 1; minus strand). Cytogenetic location: 6q23.3.
Variant type: Deletion.
Coding change: c.2956_2957del on transcript NM_001134831.2 (MANE Select); coding-DNA positions 2956 to 2957, 2 bases deleted (GT; older notation c.2956_2957delGT).
Protein change: p.Val986fs; shifts the reading frame from valine 986.
Molecular consequence: frameshift variant.
Genome position (GRCh38, 1-based): chr6:135,411,352-135,411,353, AC deleted on the plus strand (GT on the coding strand, the reverse complement: AHI1 is on the minus strand); deleting any 2 consecutive bases within chr6:135,411,352-135,411,354 gives the same sequence; the c. name uses the placement nearest the transcript's 3' end. VCF-style (leftmost placement, unchanged base first): chr6-135411351-GAC-G. GRCh37 (hg19) VCF-style: chr6-135732489-GAC-G.
Other names: c.2956_2957del, p.Val986fs (NM_001134830.2, NM_001134832.2, NM_001350503.2 and 2 more transcripts); short protein forms V986fs.
Identifiers: ClinVar variation 3342838 (VCV003342838.1).